The following is an entry in ClinVar:

ClinVar aggregate classification (germline): Benign. Review status: reviewed by expert panel (3 of 4 stars). 37 submissions from 35 submitters: Benign (1). 36 of the submissions do not count toward it. Last evaluated 2015-08-10.

Conditions:
Breast and/or ovarian cancer. Identifiers: MedGen CN221562.
Fanconi anemia complementation group D1. Also called: BRCA2-Related Fanconi Anemia. Identifiers: Orphanet 319462, MedGen C1838457, MONDO:0011584, OMIM 605724.
Familial cancer of breast. Also called: BREAST CANCER, FAMILIAL; Hereditary breast cancer; hereditary breast carcinoma. Identifiers: Orphanet 227535, MedGen C0346153, MONDO:0016419, OMIM 114480. Disease mechanism: loss of function.
Glioma susceptibility 3 (GLM3). Also called: Glioblastoma 3. Identifiers: Orphanet 182067, Orphanet 360, MedGen C2751641, MONDO:0013093, OMIM 613029.
Pancreatic cancer, susceptibility to, 2. Identifiers: Orphanet 1333, MedGen C3150546, MONDO:0013235, OMIM 613347.
Wilms tumor 1 (WT1). Also called: Wilms tumor, somatic. Identifiers: Orphanet 654, MedGen CN033288, MONDO:0008679, OMIM 194070.
Prostate cancer. Also called: Malignant tumor of prostate. Identifiers: Orphanet 1331, MedGen C0376358, MONDO:0008315, HP:0012125.
Medulloblastoma (MDB). Also called: MEDULLOBLASTOMA PREDISPOSITION SYNDROME; Medulloblastoma, somatic. Identifiers: Orphanet 616, MedGen C0025149, MeSH D008527, MONDO:0007959, OMIM 155255, HP:0002885.
Breast-ovarian cancer, familial, susceptibility to, 2 (BROVCA2). Also called: BRCA2 Hereditary Breast and Ovarian Cancer. Identifiers: Orphanet 145, MedGen C2675520, MONDO:0012933, OMIM 612555. Disease mechanism: loss of function.
Hereditary cancer-predisposing syndrome. Also called: Neoplastic Syndromes, Hereditary; Tumor predisposition; Hereditary Cancer Syndrome; Hereditary neoplastic syndrome. Identifiers: Orphanet 140162, MedGen C0027672, MeSH D009386, MONDO:0015356.
Hereditary breast ovarian cancer syndrome. Also called: Hereditary breast and ovarian cancer; Breast and ovarian cancer; Hereditary breast and/or ovarian cancer syndrome; Hereditary breast and ovarian cancer syndrome (HBOC); Hereditary breast and ovarian cancer syndrome; BRCA1- and BRCA2-Associated Hereditary Breast and Ovarian Cancer. Identifiers: Orphanet 145, MedGen C0677776, MeSH D061325, MONDO:0003582. Disease mechanism: loss of function.

Allele frequency attached by ClinVar (database versions not stated): ESP Exome Variant Server 0.00008; gnomAD 0.00031 and 0.00042; gnomAD exomes 0.00035 and 0.00089; TOPMed 0.00045; ExAC 0.00096; 1000 Genomes Project 30x 0.00109; 1000 Genomes Project 0.00140.
gnomAD v4.1: 610 of 1,613,236 alleles (0.038%); highest among the groups gnomAD compares: East Asian, 0.94%; 2 homozygotes.

Submissions 1 to 15 of 37:

Evidence-based Network for the Interpretation of Germline Mutant Alleles (ENIGMA)
Classification: Benign for Breast-ovarian cancer, familial 2. Last evaluated: 2015-08-10. Review status: reviewed by expert panel. Criteria: ENIGMA BRCA1/2 Classification Criteria (2015). Collection method: curation. Allele origin: germline.
Comment: IARC class based on posterior probability from multifactorial likelihood analysis, thresholds for class as per Plon et al. 2008 (PMID: 18951446). Class 1 based on posterior probability = 0.00000521

Labcorp Genetics (formerly Invitae), Labcorp
Classification: Benign for Hereditary breast ovarian cancer syndrome. Last evaluated: 2026-02-03. Review status: criteria provided, single submitter. Criteria: Invitae Variant Classification Sherloc (09022015). Collection method: clinical testing. Allele origin: germline. Not counted in ClinVar's aggregate classification.

Dasa
Classification: Benign for Breast-ovarian cancer, familial, susceptibility to, 2. Last evaluated: 2025-11-20. Review status: criteria provided, single submitter. Criteria: DASA Assertion Criteria. Collection method: clinical testing. Allele origin: germline. Not counted in ClinVar's aggregate classification.
Comment: NM_000059.4(BRCA2):c.5785A>G (p.Ile1929Val) is a missense variant that results in the substitution of isoleucine with valine. Population frequency is inconsistent with a disease-causing role for this variant, and observations in unaffected individuals support a benign interpretation. Therefore, based on the currently available evidence, this variant is classified as benign.

CeGaT Center for Human Genetics Tuebingen
Classification: Benign. Last evaluated: 2025-05-01. Review status: criteria provided, single submitter. Criteria: CeGaT Center For Human Genetics Tuebingen Variant Classification Criteria Version 2. Collection method: clinical testing. Allele origin: germline. Affected: yes. Observed: 2 variant alleles. Not counted in ClinVar's aggregate classification.
Comment: BRCA2: BP4, BS1, BS2

Institute for Biomarker Research, Medical Diagnostic Laboratories, L.L.C.
Classification: Benign for Hereditary breast ovarian cancer syndrome. Last evaluated: 2025-04-18. Review status: criteria provided, single submitter. Criteria: ACMG Guidelines, 2015. Collection method: clinical testing. Allele origin: germline. Not counted in ClinVar's aggregate classification.
Comment: The missense variant NM_000059.4(BRCA2):c.5785A>G (p.Ile1929Val) has been reported to ClinVar as Benign with a status of (3 stars) reviewed by expert panel (Variation ID 37997 as of 2025-04-03). The variant is observed in one or more well-documented healthy adults. The p.Ile1929Val variant is observed in 177/18,384 (0.9628%) alleles from individuals of gnomAD East Asian background in gnomAD. There is a small physicochemical difference between isoleucine and valine, which is not likely to impact secondary protein structure as these residues share similar properties. The p.Ile1929Val variant is not predicted to introduce a novel splice site by any splice site algorithm.The nucleotide c.5785 in BRCA2 is not conserved according to a GERP++ and PhyloP analysis of 100 vertebrates. For these reasons, this variant has been classified as Benign.

Molecular Diagnostics Laboratory, Catalan Institute of Oncology
Classification: Benign for Hereditary cancer-predisposing syndrome. Last evaluated: 2025-04-09. Review status: criteria provided, single submitter. Criteria: ClinGen BRCA1BRCA2 ACMG Specifications BRCA2 V1.0.0. Collection method: clinical testing. Allele origin: germline. Not counted in ClinVar's aggregate classification.
Comment: BA1, BP1_strong, BP5_VeryStrong c.5785A>G, located in exon 11 of the BRCA2 gene, is predicted to result in the substitution of Isoleucine by Valine at codon 1929, p.(Ile1929Val). This position is outside a (potentially) clinically important functional domain and, moreover, the SpliceAI algorithm predicts no significant impact on splicing (BP1_strong). The variant allele was found in 192/19240 alleles, with a filter allele frequency of 0.84% at 99% confidence, within the East Asian population in the gnomAD v2.1.1 database (non-cancer data set) (BA1). Reported by one calibrated study to affect protein function similar to benign control variants (PMID:32444794). This alteration was classified as a benign variant in a multifactorial likelihood analysis showing a Combined LR for clinical data indicative of strong evidence towards benign (LR 0.00025), based on co-segregation LR 0.05012, co-occurrence LR 0.01175 and family history LR 0.42658 (PMID: 17924331) (BP5_VeryStrong). In addition, the variant was also identified in the following databases: BRCA Exchange (Benign), ClinVar* (22x benign, 8x likeky benign) and LOVD (19x benign, 2x likeky benign, 1x uncertain significance). Based on the currently available information, c.5785A>G is classified as a benign variant according to ClinGen-BRCA2 Guidelines version 1.0.0.

Center for Genomic Medicine, Rigshospitalet, Copenhagen University Hospital
Classification: Benign. Last evaluated: 2025-03-04. Review status: criteria provided, single submitter. Criteria: ACMG Guidelines, 2015. Collection method: clinical testing. Allele origin: germline. Not counted in ClinVar's aggregate classification.

ARUP Laboratories, Molecular Genetics and Genomics, ARUP Laboratories
Classification: Benign. Last evaluated: 2025-02-04. Review status: criteria provided, single submitter. Criteria: ARUP Molecular Germline Variant Investigation Process 2024. Collection method: clinical testing. Allele origin: germline. Not counted in ClinVar's aggregate classification.

KCCC/NGS Laboratory, Kuwait Cancer Control Center
Classification: Benign for Familial cancer of breast. Last evaluated: 2025-02-01. Review status: criteria provided, single submitter. Criteria: ACMG Guidelines, 2015. Collection method: clinical testing. Allele origin: germline. Affected: no. Not counted in ClinVar's aggregate classification.

Blueprint Genetics
Classification: Likely benign. Last evaluated: 2024-11-26. Review status: criteria provided, single submitter. Criteria: ACMG Guidelines, 2015. Collection method: clinical testing. Allele origin: germline. Not counted in ClinVar's aggregate classification.

Mayo Clinic Laboratories, Mayo Clinic
Classification: Benign. Last evaluated: 2023-12-11. Review status: criteria provided, single submitter. Criteria: ACMG Guidelines, 2015. Collection method: clinical testing. Allele origin: germline. Observed: 2 variant alleles. Not counted in ClinVar's aggregate classification.
Comment: BA1, BP1_strong

KCCC/NGS Laboratory, Kuwait Cancer Control Center
Classification: Benign for Breast-ovarian cancer, familial, susceptibility to, 2. Last evaluated: 2023-07-07. Review status: criteria provided, single submitter. Criteria: ACMG Guidelines, 2015. Collection method: clinical testing. Allele origin: germline. Affected: yes. Not counted in ClinVar's aggregate classification.

CHEO Genetics Diagnostic Laboratory, Children's Hospital of Eastern Ontario
Classification: Likely benign for Breast and/or ovarian cancer. Last evaluated: 2023-05-05. Review status: criteria provided, single submitter. Criteria: ACMG Guidelines, 2015. Collection method: clinical testing. Allele origin: germline. Not counted in ClinVar's aggregate classification.

Fulgent Genetics
Classification: Likely benign for Familial cancer of breast; Medulloblastoma; Familial prostate cancer; Wilms tumor 1; Fanconi anemia complementation group D1; Breast-ovarian cancer, familial, susceptibility to, 2; Glioma susceptibility 3; Pancreatic cancer, susceptibility to, 2. Last evaluated: 2022-05-21. Review status: criteria provided, single submitter. Criteria: ACMG Guidelines, 2015. Collection method: clinical testing. Allele origin: unknown. Not counted in ClinVar's aggregate classification.

Institute for Clinical Genetics, University Hospital TU Dresden, University Hospital TU Dresden
Classification: Benign. Last evaluated: 2021-11-03. Review status: criteria provided, single submitter. Criteria: ACMG Guidelines, 2015. Collection method: clinical testing. Allele origin: germline. Not counted in ClinVar's aggregate classification.

NM_000059.4(BRCA2):c.5785A>G (p.Ile1929Val)

Gene: BRCA2 (BRCA2 DNA repair associated; plus strand). Cytogenetic location: 13q13.1.
Variant type: single nucleotide variant.
Coding change: c.5785A>G on transcript NM_000059.4 (MANE Select); coding-DNA position 5785, A replaced by G.
Protein change: p.Ile1929Val; replaces isoleucine 1929 with valine.
Molecular consequence: missense variant.
Genome position (GRCh38, 1-based): chr13:32,340,140, A>G. VCF-style: chr13-32340140-A-G. GRCh37 (hg19) VCF-style: chr13-32914277-A-G.
Other names: p.I1929V:ATT>GTT; 6013A>G; short protein forms I1929V.
Identifiers: ClinVar variation 37997 (VCV000037997.80), dbSNP rs79538375, ClinGen allele CA023228.